The following is an entry in ClinVar:

ClinVar aggregate classification (germline): Likely benign (1 of 4 stars; one submission).

Allele frequency attached by ClinVar (database versions not stated): gnomAD 0.00003; ExAC 0.00014.

Submission:

CeGaT Center for Human Genetics Tuebingen
Classification: Likely benign. Last evaluated: 2024-04-01. Review status: criteria provided, single submitter. Criteria: CeGaT Center For Human Genetics Tuebingen Variant Classification Criteria Version 2. Collection method: clinical testing. Allele origin: germline. Affected: yes. Observed: 1 variant allele.
Comment: MGAT5: BP4, BP7

NM_002410.5(MGAT5):c.1698C>T (p.Tyr566=)

Gene: MGAT5 (alpha-1,6-mannosylglycoprotein 6-beta-N-acetylglucosaminyltransferase; plus strand). Cytogenetic location: 2q21.3.
Variant type: single nucleotide variant.
Coding change: c.1698C>T on transcript NM_002410.5 (MANE Select); coding-DNA position 1698, C replaced by T.
Protein change: p.Tyr566=; no amino-acid change (tyrosine 566 retained).
Molecular consequence: synonymous variant.
Genome position (GRCh38, 1-based): chr2:134,422,823, C>T. VCF-style: chr2-134422823-C-T. GRCh37 (hg19) VCF-style: chr2-135180394-C-T.
Other names: c.1698C>T, p.Tyr566= (NM_001371457.1).
Identifiers: ClinVar variation 3234476 (VCV003234476.20), dbSNP rs762955892, ClinGen allele CA1882152.
Genomic context (GRCh38, chr2:134,422,823, plus strand): 5'-AAAATTGCTTGTGAGACTGAGGTGTTCGGTTCTTTTCCAGCTGACATCCCAGCATCCTTA[C>T]GCTGAAGTTTTCATCGGGCGGCCACATGTGTGGACTGTTGACCTCAACAATCAGGAGGAA-3'
Protein context (NP_002401.1, residues 556-576): TLRELTSQHP[Tyr566=]AEVFIGRPHV